The following is an entry in ClinVar:

NM_024675.4(PALB2):c.2641G>A (p.Gly881Ser)

Gene: PALB2 (partner and localizer of BRCA2; minus strand). Cytogenetic location: 16p12.2.
Variant type: single nucleotide variant.
Coding change: c.2641G>A on transcript NM_024675.4 (MANE Select); coding-DNA position 2641, G replaced by A.
Protein change: p.Gly881Ser; replaces glycine 881 with serine.
Molecular consequence: missense variant.
Genome position (GRCh38, 1-based): chr16:23,626,343, C>T on the plus strand (G>A on the coding strand, the complement: PALB2 is on the minus strand). VCF-style: chr16-23626343-C-T. GRCh37 (hg19) VCF-style: chr16-23637664-C-T.
Other names: short protein forms G881S.
Identifiers: ClinVar variation 460951 (VCV000460951.27), dbSNP rs766315705, ClinGen allele CA7963510.

ClinVar aggregate classification (germline): Uncertain significance. Review status: criteria provided, multiple submitters, no conflicts (2 of 4 stars). 9 submissions from 9 submitters: Uncertain significance (8). 1 of the submissions does not count toward it. Last evaluated 2025-12-29.

Conditions:
Familial cancer of breast. Also called: BREAST CANCER, FAMILIAL; Hereditary breast cancer; hereditary breast carcinoma. Identifiers: Orphanet 227535, MedGen C0346153, MONDO:0016419, OMIM 114480. Disease mechanism: loss of function.
Pancreatic cancer, susceptibility to, 3. Identifiers: Orphanet 1333, MedGen C3150547, MONDO:0013236, OMIM 613348.
Hereditary cancer-predisposing syndrome. Also called: Neoplastic Syndromes, Hereditary; Tumor predisposition; Hereditary neoplastic syndrome; Hereditary Cancer Syndrome. Identifiers: Orphanet 140162, MedGen C0027672, MeSH D009386, MONDO:0015356.

Allele frequency attached by ClinVar (database versions not stated): gnomAD exomes 0.00001 and 0.00002; TOPMed 0.00001; ExAC 0.00001; gnomAD 0.00003.
gnomAD v4.1: 22 of 1,614,022 alleles (0.0014%); highest among the groups gnomAD compares: East Asian, 0.0067%; no homozygotes.

Submissions (9):

Center for Genomic Medicine, Rigshospitalet, Copenhagen University Hospital
Classification: Uncertain significance. Last evaluated: 2025-12-29. Review status: criteria provided, single submitter. Criteria: ACMG Guidelines, 2015. Collection method: clinical testing. Allele origin: germline.
Comment: Classification criteria: BP1

Labcorp Genetics (formerly Invitae), Labcorp
Classification: Uncertain significance for Familial cancer of breast. Last evaluated: 2025-12-24. Review status: criteria provided, single submitter. Criteria: Invitae Variant Classification Sherloc (09022015). Collection method: clinical testing. Allele origin: germline.
Comment: This sequence change replaces glycine, which is neutral and non-polar, with serine, which is neutral and polar, at codon 881 of the PALB2 protein (p.Gly881Ser). This variant is present in population databases (rs766315705, gnomAD 0.005%). This missense change has been observed in individual(s) with pancreatic cancer, breast cancer or prostate cancer (PMID: 25356972, 28726808, 30287823, 36898365). ClinVar contains an entry for this variant (Variation ID: 460951). Invitae Evidence Modeling of protein sequence and biophysical properties (such as structural, functional, and spatial information, amino acid conservation, physicochemical variation, residue mobility, and thermodynamic stability) has been performed for this missense variant. However, the output from this modeling did not meet the statistical confidence thresholds required to predict the impact of this variant on PALB2 protein function. In summary, the available evidence is currently insufficient to determine the role of this variant in disease. Therefore, it has been classified as a Variant of Uncertain Significance.

Women's Health and Genetics/Laboratory Corporation of America, LabCorp
Classification: Uncertain significance. Last evaluated: 2025-10-20. Review status: criteria provided, single submitter. Criteria: LabCorp Variant Classification Summary - May 2015. Collection method: clinical testing. Allele origin: germline.
Comment: Variant summary: PALB2 c.2641G>A (p.Gly881Ser) results in a non-conservative amino acid change in the encoded protein sequence. Algorithms developed to predict the effect of missense changes on protein structure and function are either unavailable or do not agree on the potential impact of this missense change. The variant allele was found at a frequency of 2e-05 in 251490 control chromosomes. The available data on variant occurrences in the general population are insufficient to allow any conclusion about variant significance. c.2641G>A has been observed in individual(s) affected with Prostate Cancer without clear evidence for causality (Momozawa_2018, Shen_2015, Lu:2015, Chaffee_2018, Gheybi_2023, Jensson_2023). These report(s) do not provide unequivocal conclusions about association of the variant with Prostate Cancer. To our knowledge, no experimental evidence demonstrating an impact on protein function has been reported. The following publications have been ascertained in the context of this evaluation (PMID: 28726808, 36898365, 26689913, 30287823, 25356972, 37937776). ClinVar contains an entry for this variant (Variation ID: 460951). Based on the evidence outlined above, the variant was classified as uncertain significance.

GeneDx
Classification: Uncertain significance. Last evaluated: 2025-04-16. Review status: criteria provided, single submitter. Criteria: GeneDx Variant Classification Process June 2021. Collection method: clinical testing. Allele origin: germline.
Comment: In silico analysis supports that this missense variant has a deleterious effect on protein structure/function; Identified in individuals with breast, uterine, or familial pancreatic cancer, but also present in unaffected controls (PMID: 25356972, 30287823, 33471991, 26689913); This variant is associated with the following publications: (PMID: 25356972, 28726808, 24485656, 20871615, 19609323, 30287823, 33471991, 32980694, 26689913, 36243179, 37937776)

Ambry Genetics
Classification: Uncertain significance for Hereditary cancer-predisposing syndrome. Last evaluated: 2024-03-27. Review status: criteria provided, single submitter. Criteria: Ambry Variant Classification Scheme 2023. Collection method: clinical testing. Allele origin: germline.
Comment: The p.G881S variant (also known as c.2641G>A), located in coding exon 7 of the PALB2 gene, results from a G to A substitution at nucleotide position 2641. The glycine at codon 881 is replaced by serine, an amino acid with similar properties. This variant was identified in 1/727 pancreatic cancer probands with positive family history and classified as a variant of uncertain significance by the study authors (Zhen DB et al. Genet. Med., 2015 Jul;17:569-77). This alteration has also been reported in at least one breast cancer patient in a study of 13087 breast cancer cases and 5488 control individuals in the UK (Decker B et al. J Med Genet, 2017 11;54:732-741). This amino acid position is highly conserved in available vertebrate species. In addition, the in silico prediction for this alteration is inconclusive. Based on the available evidence, the clinical significance of this alteration remains unclear.

Baylor Genetics
Classification: Uncertain significance for Familial cancer of breast. Last evaluated: 2023-11-07. Review status: criteria provided, single submitter. Criteria: ACMG Guidelines, 2015. Collection method: clinical testing. Allele origin: unknown.

Color Diagnostics, LLC DBA Color Health
Classification: Uncertain significance for Hereditary cancer-predisposing syndrome. Last evaluated: 2023-02-07. Review status: criteria provided, single submitter. Criteria: ACMG Guidelines, 2015. Collection method: clinical testing. Allele origin: germline.
Comment: This missense variant replaces glycine with serine at codon 881 of the PALB2 protein. Computational prediction suggests that this variant may not impact protein structure and function (internally defined REVEL score threshold <= 0.5, PMID: 27666373). To our knowledge, functional studies have not been reported for this variant. This variant has now shown significant association with breast cancer in case-control studies: In one study, this variant was observed in 1/7051 female cases and 2/11241 female controls, as well as in 0/53 male cases and 3/12490 male controls (PMID: 30287823). In a meta-analysis of breast cancer case-control studies, this variant was reported in 4/60462 cases and 3/53458 controls (PMID: 33471991). This variant has been reported in an individual with pancreatic cancer (PMID: 25356972), as well as in 0/1005 cases and 5/23705 controls in a pancreatic cancer case-control study (PMID: 32980694). This variant has been identified in 7/282896 chromosomes in the general population by the Genome Aggregation Database (gnomAD). The available evidence is insufficient to determine the role of this variant in disease conclusively. Therefore, this variant is classified as a Variant of Uncertain Significance.

Sema4
Classification: Uncertain significance for Hereditary cancer-predisposing syndrome. Last evaluated: 2021-07-02. Review status: criteria provided, single submitter. Criteria: Sema4 Curation Guidelines. Collection method: curation. Allele origin: germline.
Comment: The PALB2 c.2641G>A (p.G881S) variant has been reported in individuals with breast, pancreatic, or uterine cancer, as well as in healthy controls (PMID: 33471991, 30287823, 28779002, 25356972, 32980694, 26689913). It was observed in 1/19954 chromosomes of the East Asian subpopulation in the large and broad cohorts of the Genome Aggregation Database (PMID: 32461654). The variant has been reported in ClinVar (Variation ID 460951). In silico tools suggest the impact of the variant on protein function is inconclusive, though these predictions have not been confirmed by functional studies. The evidence is insufficient to meet ACMG/AMP criteria for classifying the variant as benign or pathogenic. Thus, the clinical significance of this variant is currently uncertain.

Leiden Open Variation Database
Classification: Uncertain significance for Pancreatic cancer, susceptibility to, 3. Last evaluated: 2019-05-13. Review status: no assertion criteria provided. Collection method: curation. Allele origin: germline. Affected: no. Not counted in ClinVar's aggregate classification.
Comment: Curators: Marc Tischkowitz, Arleen D. Auerbach. Submitters to LOVD: Marc Tischkowitz, Yukihide Momozawa.

Literature cited by the submitters: PubMed 25356972 (cited by 6 submitters); PubMed 28726808 (cited by Labcorp Genetics (formerly Invitae), Labcorp and Women's Health and Genetics/Laboratory Corporation of America, LabCorp); PubMed 30287823 (cited by 6 submitters); PubMed 36898365 (cited by Labcorp Genetics (formerly Invitae), Labcorp and Women's Health and Genetics/Laboratory Corporation of America, LabCorp); PubMed 26689913 (cited by Women's Health and Genetics/Laboratory Corporation of America, LabCorp and Sema4); PubMed 37937776 (cited by Women's Health and Genetics/Laboratory Corporation of America, LabCorp); PubMed 28779002 (cited by Ambry Genetics and Sema4); PubMed 32980694 (cited by Color Diagnostics, LLC DBA Color Health and Sema4); PubMed 33471991 (cited by Color Diagnostics, LLC DBA Color Health and Sema4).